The following is an entry in ClinVar:

NM_005883.3(APC2):c.278C>T (p.Pro93Leu)

Gene: APC2 (APC regulator of WNT signaling pathway 2; plus strand). Cytogenetic location: 19p13.3.
Variant type: single nucleotide variant.
Coding change: c.278C>T on transcript NM_005883.3 (MANE Select); coding-DNA position 278, C replaced by T.
Protein change: p.Pro93Leu; replaces proline 93 with leucine.
Molecular consequence: missense variant.
Genome position (GRCh38, 1-based): chr19:1,453,476, C>T. VCF-style: chr19-1453476-C-T. GRCh37 (hg19) VCF-style: chr19-1453475-C-T.
Other names: c.278C>T, p.Pro93Leu (NM_001351273.1); short protein forms P93L.
Identifiers: ClinVar variation 2524043 (VCV002524043.4), dbSNP rs1019108407, ClinGen allele CA304059801.

ClinVar aggregate classification (germline): Uncertain significance (1 of 4 stars; one submission).

Conditions:
Inborn genetic diseases. Identifiers: MedGen C0950123, MeSH D030342.
Intellectual developmental disorder, autosomal recessive 74 (MRT74). Also called: Sotos syndrome 3. Identifiers: MedGen C4310684, MONDO:0014951, OMIM 617169.

Allele frequency attached by ClinVar (database versions not stated): gnomAD 0.00001; TOPMed 0.00002.
gnomAD v4.1: 43 of 1,603,088 alleles (0.0027%); highest among the groups gnomAD compares: East Asian, 0.0045%; no homozygotes.

Submission:

Ambry Genetics
Classification: Uncertain significance for Inborn genetic diseases. Last evaluated: 2023-03-24. Review status: criteria provided, single submitter. Criteria: Ambry Variant Classification Scheme 2023. Collection method: clinical testing. Allele origin: germline.